The following is an entry in ClinVar:

NM_000498.3(CYP11B2):c.844C>T (p.Arg282Cys)

Genes: CYP11B2 (cytochrome P450 family 11 subfamily B member 2; minus strand), LOC106799834 (CYP11B2 recombination region; plus strand). Cytogenetic location: 8q24.3.
Variant type: single nucleotide variant.
Coding change: c.844C>T on transcript NM_000498.3 (MANE Select); coding-DNA position 844, C replaced by T.
Protein change: p.Arg282Cys; replaces arginine 282 with cysteine.
Molecular consequence: missense variant.
Genome position (GRCh38, 1-based): chr8:142,914,374, G>A on the plus strand (C>T on the coding strand, the complement: CYP11B2 is on the minus strand). VCF-style: chr8-142914374-G-A. GRCh37 (hg19) VCF-style: chr8-143995790-G-A.
Other names: short protein forms R282C.
Identifiers: ClinVar variation 362209 (VCV000362209.8), dbSNP rs774989997, ClinGen allele CA4906053.

ClinVar aggregate classification (germline): Conflicting classifications of pathogenicity. Review status: criteria provided, conflicting classifications (1 of 4 stars). 5 submissions from 3 submitters: Uncertain significance (4); Benign (1). Last evaluated 2024-05-30.

Conditions:
Corticosterone methyloxidase type 2 deficiency. Also called: 18-OXIDASE DEFICIENCY; ALDOSTERONE DEFICIENCY DUE TO DEFICIENCY OF STEROID 18-OXIDASE; ALDOSTERONE DEFICIENCY II; CMO II DEFICIENCY; STEROID 18-OXIDASE DEFICIENCY. Identifiers: Orphanet 427, MedGen C3463917, MONDO:0012524, OMIM 610600. Disease mechanism: loss of function.
Corticosterone 18-monooxygenase deficiency. Also called: ALDOSTERONE DEFICIENCY DUE TO DEFECT IN STEROID 18-HYDROXYLASE; ALDOSTERONE DEFICIENCY I; CMO I DEFICIENCY; STEROID 18-HYDROXYLASE DEFICIENCY; 18 Hydroxylase deficiency; Aldosterone deficiency due to defect in 18 hydroxylase. Identifiers: Orphanet 427, MedGen C0268293, MONDO:0008751, OMIM 203400. Disease mechanism: loss of function.
Inborn genetic diseases. Identifiers: MedGen C0950123, MeSH D030342.
Glucocorticoid-remediable aldosteronism. Also called: Hyperaldosteronism, familial, type I; ACTH-DEPENDENT HYPERALDOSTERONISM SYNDROME; ALDOSTERONISM, SENSITIVE TO DEXAMETHASONE; FH I; GLUCOCORTICOID-SUPPRESSIBLE HYPERALDOSTERONISM. Identifiers: Orphanet 403, MedGen C3838731, MONDO:0007080, OMIM 103900.

Allele frequency attached by ClinVar (database versions not stated): gnomAD 0.00004 and 0.00005; TOPMed 0.00005; ExAC 0.00006; gnomAD exomes 0.00008.

Submissions (5):

Fulgent Genetics
Classification: Uncertain significance for Corticosterone 18-monooxygenase deficiency; Corticosterone methyloxidase type 2 deficiency. Last evaluated: 2024-05-30. Review status: criteria provided, single submitter. Criteria: ACMG Guidelines, 2015. Collection method: clinical testing. Allele origin: germline.

Ambry Genetics
Classification: Uncertain significance for Inborn genetic diseases. Last evaluated: 2023-08-14. Review status: criteria provided, single submitter. Criteria: Ambry Variant Classification Scheme 2023. Collection method: clinical testing. Allele origin: germline.

Illumina Laboratory Services, Illumina
Classification: Uncertain significance for Corticosterone 18-monooxygenase deficiency. Last evaluated: 2018-01-13. Review status: criteria provided, single submitter. Criteria: ICSL Variant Classification Criteria 13 December 2019. Collection method: clinical testing. Allele origin: germline.

Illumina Laboratory Services, Illumina
Classification: Benign for Hyperaldosteronism, familial, type I. Last evaluated: 2018-01-13. Review status: criteria provided, single submitter. Criteria: ICSL Variant Classification Criteria 13 December 2019. Collection method: clinical testing. Allele origin: germline.
Comment: This variant was observed in the ICSL laboratory as part of a predisposition screen in an ostensibly healthy population. It had not been previously curated by ICSL or reported in the Human Gene Mutation Database (HGMD: prior to June 1st, 2018), and was therefore a candidate for classification through an automated scoring system. Utilizing variant allele frequency, disease prevalence and penetrance estimates, and inheritance mode, an automated score was calculated to assess if this variant is too frequent to cause the disease. Based on the score and internal cut-off values, a variant classified as benign is not then subjected to further curation. The score for this variant resulted in a classification of benign for this disease.

Illumina Laboratory Services, Illumina
Classification: Uncertain significance for Corticosterone methyloxidase type 2 deficiency. Last evaluated: 2018-01-13. Review status: criteria provided, single submitter. Criteria: ICSL Variant Classification Criteria 13 December 2019. Collection method: clinical testing. Allele origin: germline.